The following is an entry in ClinVar:

ClinVar aggregate classification (germline): Likely pathogenic (1 of 4 stars; one submission).

Submission:

GeneDx
Classification: Likely pathogenic. Last evaluated: 2016-12-19. Review status: criteria provided, single submitter. Criteria: GeneDx Variant Classification (06012015). Collection method: clinical testing. Allele origin: germline. Affected: yes.
Comment: This duplication of one nucleotide in BAP1 is denoted c.586dupT at the cDNA level and p.Trp196LeufsX47 (W196LfsX47) at the protein level. The normal sequence, with the base that is duplicated in brackets, is GCCC[dupT]GGGGGGA. The duplication causes a frameshift which changes a Tryptophan to a Leucine at codon 196, and creates a premature stop codon at position 47 of the new reading frame. Although this variant has not, to our knowledge, been reported in the literature, it is predicted to cause loss of normal protein function through either protein truncation or nonsense-mediated mRNA decay. Based on the currently available information, we consider this duplication to be a likely pathogenic variant.

NM_004656.4(BAP1):c.586dup (p.Trp196fs)

Gene: BAP1 (BRCA1 associated protein 1; minus strand). Cytogenetic location: 3p21.1.
Variant type: Duplication.
Coding change: c.586dup on transcript NM_004656.4 (MANE Select); coding-DNA position 586, one base duplicated (T; older notation c.586dupT).
Protein change: p.Trp196fs; shifts the reading frame from tryptophan 196.
Molecular consequence: frameshift variant.
Genome position (GRCh38, 1-based): chr3:52,406,902, A duplicated on the plus strand (T on the coding strand, the reverse complement: BAP1 is on the minus strand). VCF-style (leftmost placement, unchanged base first): chr3-52406901-C-CA. GRCh37 (hg19) VCF-style: chr3-52440917-C-CA.
Other names: short protein forms W196fs.
Identifiers: ClinVar variation 422925 (VCV000422925.2), dbSNP rs1553645728, ClinGen allele CA16618001.